The following is an entry in ClinVar:

NM_001377.3(DYNC2H1):c.4325G>A (p.Gly1442Asp)

Gene: DYNC2H1 (dynein cytoplasmic 2 heavy chain 1; plus strand). Cytogenetic location: 11q22.3.
Variant type: single nucleotide variant.
Coding change: c.4325G>A on transcript NM_001377.3 (MANE Select); coding-DNA position 4325, G replaced by A.
Protein change: p.Gly1442Asp; replaces glycine 1442 with aspartic acid.
Molecular consequence: missense variant.
Genome position (GRCh38, 1-based): chr11:103,158,974, G>A. VCF-style: chr11-103158974-G-A. GRCh37 (hg19) VCF-style: chr11-103029703-G-A.
Other names: c.4325G>A, p.Gly1442Asp (NM_001080463.2); short protein forms G1442D.
Identifiers: ClinVar variation 2706618 (VCV002706618.4), dbSNP rs763571787, ClinGen allele CA6253531.
Genomic context (GRCh38, chr11:103,158,974, plus strand): 5'-AACGCTCAGCATTCCCAAGATTTTATTTTATTGGTGATGATGACTTATTAGAAATATTGG[G>A]CCAGTCTACCAACCCATCAGTGATTCAGTCTCACCTGAAGAAGCTTTTTGCTGGTAGGAT-3'
Protein context (NP_001368.2, residues 1432-1452): IGDDDLLEIL[Gly1442Asp]QSTNPSVIQS

ClinVar aggregate classification (germline): Conflicting classifications of pathogenicity. Review status: criteria provided, conflicting classifications (1 of 4 stars). 2 submissions from 2 submitters: Likely pathogenic (1); Uncertain significance (1). Last evaluated 2024-11-11.

Conditions:
Jeune thoracic dystrophy. Also called: Jeune syndrome; Infantile thoracic dystrophy; Thoracic pelvic phalangeal dystrophy; Jeune's syndrome; Chondroectodermal dysplasia-like syndrome; Short-rib thoracic dysplasia. Identifiers: Orphanet 474, MedGen C0265275, MONDO:0018770.

Allele frequency attached by ClinVar (database versions not stated): ExAC 0.00001; gnomAD 0.00001; gnomAD exomes 0.00005.
gnomAD v4.1: 80 of 1,613,242 alleles (0.005%); highest among the groups gnomAD compares: Non-Finnish European, 0.0064%; no homozygotes.

Submissions (2):

Labcorp Genetics (formerly Invitae), Labcorp
Classification: Likely pathogenic for Jeune thoracic dystrophy. Last evaluated: 2024-11-11. Review status: criteria provided, single submitter. Criteria: Invitae Variant Classification Sherloc (09022015). Collection method: clinical testing. Allele origin: germline.
Comment: This sequence change replaces glycine, which is neutral and non-polar, with aspartic acid, which is acidic and polar, at codon 1442 of the DYNC2H1 protein (p.Gly1442Asp). This variant is present in population databases (rs763571787, gnomAD 0.0009%). This missense change has been observed in individual(s) with clinical features of DYNC2H1-related conditions (PMID: 23456818). In at least one individual the data is consistent with being in trans (on the opposite chromosome) from a pathogenic variant. ClinVar contains an entry for this variant (Variation ID: 2706618). Invitae Evidence Modeling of protein sequence and biophysical properties (such as structural, functional, and spatial information, amino acid conservation, physicochemical variation, residue mobility, and thermodynamic stability) indicates that this missense variant is expected to disrupt DYNC2H1 protein function with a positive predictive value of 95%. In summary, the currently available evidence indicates that the variant is pathogenic, but additional data are needed to prove that conclusively. Therefore, this variant has been classified as Likely Pathogenic.

Blueprint Genetics
Classification: Uncertain significance. Last evaluated: 2023-07-04. Review status: criteria provided, single submitter. Criteria: ACMG Guidelines, 2015. Collection method: clinical testing. Allele origin: germline.

Literature cited by the submitters: PubMed 23456818 (cited by Labcorp Genetics (formerly Invitae), Labcorp).